The following is an entry in ClinVar:

ClinVar aggregate classification (germline): Uncertain significance (1 of 4 stars; one submission).

Conditions:
POLD1-related polyposis and colorectal cancer syndrome (CRCS10). Also called: Colorectal cancer 10; COLORECTAL CANCER, SUSCEPTIBILITY TO, ON CHROMOSOME 19q; Colorectal cancer, susceptibility to, 10. Identifiers: Orphanet 220460, MedGen C2675481, MONDO:0012953, OMIM 612591.

Submission:

Labcorp Genetics (formerly Invitae), Labcorp
Classification: Uncertain significance for POLD1-related polyposis and colorectal cancer syndrome. Last evaluated: 2019-06-04. Review status: criteria provided, single submitter. Criteria: Invitae Variant Classification Sherloc (09022015). Collection method: clinical testing. Allele origin: germline.
Comment: This variant has not been reported in the literature in individuals with POLD1-related conditions. In summary, the available evidence is currently insufficient to determine the role of this variant in disease. Therefore, it has been classified as a Variant of Uncertain Significance. Algorithms developed to predict the effect of missense changes on protein structure and function are either unavailable or do not agree on the potential impact of this missense change (SIFT: "Tolerated"; PolyPhen-2: "Probably Damaging"; Align-GVGD: "Class C0"). This variant is not present in population databases (ExAC no frequency). This sequence change replaces alanine with serine at codon 215 of the POLD1 protein (p.Ala215Ser). The alanine residue is moderately conserved and there is a moderate physicochemical difference between alanine and serine.

NM_002691.4(POLD1):c.643G>T (p.Ala215Ser)

Gene: POLD1 (DNA polymerase delta 1, catalytic subunit; plus strand). Cytogenetic location: 19q13.33.
Variant type: single nucleotide variant.
Coding change: c.643G>T on transcript NM_002691.4 (MANE Select); coding-DNA position 643, G replaced by T.
Protein change: p.Ala215Ser; replaces alanine 215 with serine.
Molecular consequence: missense variant. On other transcripts: non-coding transcript variant (1).
Genome position (GRCh38, 1-based): chr19:50,402,258, G>T. VCF-style: chr19-50402258-G-T. GRCh37 (hg19) VCF-style: chr19-50905515-G-T.
Other names: c.643G>T, p.Ala215Ser (NM_001256849.1, NM_001308632.1); short protein forms A215S.
Identifiers: ClinVar variation 934311 (VCV000934311.9), dbSNP rs2038675489, ClinGen allele CA406974080.
Genomic context (GRCh38, chr19:50,402,258, plus strand): 5'-TCCACAGGCATGTTTGGGTACCACGGGCACGGCCCCTCCCCGTTCCTGCGCATCACCGTG[G>T]CGCTGCCGCGCCTCGTGGCCCCGGCCCGCCGTCTCCTGGAACAGGGCATCCGTGTGGCAG-3'
Protein context (NP_002682.2, residues 205-225): GPSPFLRITV[Ala215Ser]LPRLVAPARR